The following is an entry in ClinVar:

ClinVar aggregate classification (germline): Likely benign. Review status: criteria provided, multiple submitters, no conflicts (2 of 4 stars). 3 submissions from 3 submitters: Likely benign (3). Last evaluated 2026-01-28.

Conditions:
DMXL2-related disorder. Also called: DMXL2-related condition.

Allele frequency attached by ClinVar (database versions not stated): gnomAD exomes 0.00007; ExAC 0.00008; gnomAD 0.00038 and 0.00040; ESP Exome Variant Server 0.00039; TOPMed 0.00049; 1000 Genomes Project 0.00060.
gnomAD v4.1: 102 of 1,514,818 alleles (0.0067%); highest among the groups gnomAD compares: African/African-American, 0.12%; no homozygotes.

Submissions (3):

Labcorp Genetics (formerly Invitae), Labcorp
Classification: Likely benign. Last evaluated: 2026-01-28. Review status: criteria provided, single submitter. Criteria: Invitae Variant Classification Sherloc (09022015). Collection method: clinical testing. Allele origin: germline.

PreventionGenetics, part of Exact Sciences
Classification: Likely benign for DMXL2-related condition. Last evaluated: 2025-04-14. Review status: criteria provided, single submitter. Criteria: ACMG Guidelines, 2015. Collection method: clinical testing. Allele origin: germline.
Comment: This variant is classified as likely benign based on ACMG/AMP sequence variant interpretation guidelines (Richards et al. 2015 PMID: 25741868, with internal and published modifications).

GeneDx
Classification: Likely benign. Last evaluated: 2020-12-29. Review status: criteria provided, single submitter. Criteria: GeneDx Variant Classification Process June 2021. Collection method: clinical testing. Allele origin: germline. Affected: yes.

NM_001378457.1(DMXL2):c.7809-5A>G

Gene: DMXL2 (Dmx like 2; minus strand). Cytogenetic location: 15q21.2.
Variant type: single nucleotide variant.
Coding change: c.7809-5A>G on transcript NM_001378457.1 (MANE Select); 5 bases into the intron before coding-DNA position 7809, A replaced by G.
Molecular consequence: intron variant.
Genome position (GRCh38, 1-based): chr15:51,463,501, T>C on the plus strand (A>G on the coding strand, the complement: DMXL2 is on the minus strand). VCF-style: chr15-51463501-T-C. GRCh37 (hg19) VCF-style: chr15-51755698-T-C.
Other names: c.5787-5A>G (NM_001378460.1); c.5898-5A>G (NM_001174117.3); c.7806-5A>G (NM_015263.5, NM_001378458.1, NM_001378462.1); c.7521-5A>G (NM_001378459.1); c.7809-5A>G (NM_001174116.3, NM_001378461.1, NM_001174116.1); c.7566-5A>G (NM_001378464.1); c.7607-5A>G (NM_001378463.1).
Identifiers: ClinVar variation 1253836 (VCV001253836.11), dbSNP rs200732334, ClinGen allele CA7561219.
Genomic context (GRCh38, chr15:51,463,501, plus strand): 5'-GTTTAACAAGGAAATGCCAAAGTCGTTTGACTGGAAATGCAGAAGAATCCCGGGACCTAT[T>C]AAAAAAAATTAACATATCACACTACTTTAGTCTATAGAAAATATGTTTATATTTGCAGAT-3'